The following is an entry in ClinVar:

NM_000044.6(AR):c.1362_1370dup (p.Gly473_Glu474insGlyGlyGly)

Gene: AR (androgen receptor; plus strand). Cytogenetic location: Xq12.
Variant type: Duplication.
Coding change: c.1362_1370dup on transcript NM_000044.6 (MANE Select); coding-DNA positions 1362 to 1370, 9 bases duplicated (GGGTGGTGG; older notation c.1362_1370dupGGGTGGTGG).
Protein change: p.Gly473_Glu474insGlyGlyGly.
Molecular consequence: inframe insertion. On other transcripts: 5 prime UTR variant (1).
Genome position (GRCh38, 1-based): chrX:67,546,508-67,546,516, GGGTGGTGG duplicated; duplicating any 9 consecutive bases within chrX:67,546,500-67,546,516 gives the same sequence; the c. name uses the placement nearest the transcript's 3' end. VCF-style (leftmost placement, unchanged base first): chrX-67546499-T-TGGTGGTGGG. GRCh37 (hg19) VCF-style: chrX-66766341-T-TGGTGGTGGG.
Other names: c.-422_-414dup (NM_001011645.3); c.1362_1370dup, p.Gly473_Glu474insGlyGlyGly (NM_001348061.1, NM_001348063.1, NM_001348064.1).
Identifiers: ClinVar variation 4977614 (VCV004977614.1).
Genomic context (GRCh38, chrX:67,546,499, plus strand): 5'-TTCCTCATCCTGGCACACTCTCTTCACAGCCGAAGAAGGCCAGTTGTATGGACCGTGTGG[T>TGGTGGTGGG]GGTGGTGGGGGTGGTGGCGGCGGCGGCGGCGGCGGCGGCGGCGGCGGCGGCGGCGGCGGC-3'

ClinVar aggregate classification (germline): Likely benign (1 of 4 stars; one submission).

Conditions:
AR-related disorder. Also called: AR-related condition.

Submission:

PreventionGenetics, part of Exact Sciences
Classification: Likely benign for AR-related condition. Last evaluated: 2026-01-27. Review status: criteria provided, single submitter. Criteria: ACMG Guidelines, 2015. Collection method: clinical testing. Allele origin: germline.
Comment: This variant is classified as likely benign based on ACMG/AMP sequence variant interpretation guidelines (Richards et al. 2015 PMID: 25741868, with internal and published modifications).